The following is an entry in ClinVar:

NM_000038.6(APC):c.6974G>T (p.Gly2325Val)

Gene: APC (APC regulator of Wnt signaling pathway; plus strand). Cytogenetic location: 5q22.2.
Variant type: single nucleotide variant.
Coding change: c.6974G>T on transcript NM_000038.6 (MANE Select); coding-DNA position 6974, G replaced by T.
Protein change: p.Gly2325Val; replaces glycine 2325 with valine.
Molecular consequence: missense variant. On other transcripts: non-coding transcript variant (2).
Genome position (GRCh38, 1-based): chr5:112,842,568, G>T. VCF-style: chr5-112842568-G-T. GRCh37 (hg19) VCF-style: chr5-112178265-G-T.
Other names: c.7004G>T, p.Gly2335Val (NM_001354897.2); c.6899G>T, p.Gly2300Val (NM_001354898.2); c.6890G>T, p.Gly2297Val (NM_001354899.2); c.6851G>T, p.Gly2284Val (NM_001354900.2); c.6797G>T, p.Gly2266Val (NM_001354901.2, NM_001407453.1); c.6701G>T, p.Gly2234Val (NM_001354902.2); c.6671G>T, p.Gly2224Val (NM_001354903.2, NM_001407458.1, NM_001407459.1 and 1 more transcripts); c.6596G>T, p.Gly2199Val (NM_001354904.2); and 11 more; short protein forms G2042V, G2165V, G2196V, G2307V, G2315V, G1941V, G2199V, G2284V.
Identifiers: ClinVar variation 5024497 (VCV005024497.1).

ClinVar aggregate classification (germline): Uncertain significance (1 of 4 stars; one submission).

Conditions:
Hereditary cancer-predisposing syndrome. Also called: Neoplastic Syndromes, Hereditary; Tumor predisposition; Hereditary neoplastic syndrome; Hereditary Cancer Syndrome. Identifiers: Orphanet 140162, MedGen C0027672, MeSH D009386, MONDO:0015356.

Submission:

Ambry Genetics
Classification: Uncertain significance for Hereditary cancer-predisposing syndrome. Last evaluated: 2026-08-31. Review status: criteria provided, single submitter. Criteria: Ambry Variant Classification Scheme 2023. Collection method: clinical testing. Allele origin: germline.
Comment: The p.G2325V variant (also known as c.6974G>T), located in coding exon 15 of the APC gene, results from a G to T substitution at nucleotide position 6974. The glycine at codon 2325 is replaced by valine, an amino acid with dissimilar properties. This amino acid position is conserved. In addition, in silico predictors for this gene do not accurately predict pathogenicity. Based on the available evidence, the clinical significance of this variant remains unclear.